The following is an entry in ClinVar:

ClinVar aggregate classification (germline): Uncertain significance. Review status: criteria provided, multiple submitters, no conflicts (2 of 4 stars). 2 submissions from 2 submitters: Uncertain significance (2). Last evaluated 2025-08-08.

Conditions:
Inborn genetic diseases. Identifiers: MedGen C0950123, MeSH D030342.
Immunodeficiency 28 (IMD28). Also called: IFNGR2 DEFICIENCY. Identifiers: Orphanet 319547, Orphanet 319574, MedGen C4013947, MONDO:0013953, OMIM 614889.

Allele frequency attached by ClinVar (database versions not stated): gnomAD 0.00001; gnomAD exomes 0.00001; TOPMed 0.00001; ExAC 0.00002.
gnomAD v4.1: 13 of 1,611,334 alleles (0.00081%); highest among the groups gnomAD compares: South Asian, 0.0033%; no homozygotes.

Submissions (2):

Ambry Genetics
Classification: Uncertain significance for Inborn genetic diseases. Last evaluated: 2025-08-08. Review status: criteria provided, single submitter. Criteria: Ambry Variant Classification Scheme 2023. Collection method: clinical testing. Allele origin: germline.

Labcorp Genetics (formerly Invitae), Labcorp
Classification: Uncertain significance for Immunodeficiency 28. Last evaluated: 2022-01-27. Review status: criteria provided, single submitter. Criteria: Invitae Variant Classification Sherloc (09022015). Collection method: clinical testing. Allele origin: germline.
Comment: This sequence change replaces isoleucine, which is neutral and non-polar, with leucine, which is neutral and non-polar, at codon 185 of the IFNGR2 protein (p.Ile185Leu). This variant is present in population databases (rs542657768, gnomAD 0.003%). This variant has not been reported in the literature in individuals affected with IFNGR2-related conditions. Algorithms developed to predict the effect of missense changes on protein structure and function output the following: SIFT: "Tolerated"; PolyPhen-2: "Benign"; Align-GVGD: "Class C0". The leucine amino acid residue is found in multiple mammalian species, which suggests that this missense change does not adversely affect protein function. In summary, the available evidence is currently insufficient to determine the role of this variant in disease. Therefore, it has been classified as a Variant of Uncertain Significance.

NM_005534.4(IFNGR2):c.553A>C (p.Ile185Leu)

Gene: IFNGR2 (interferon gamma receptor 2; plus strand). Cytogenetic location: 21q22.11.
Variant type: single nucleotide variant.
Coding change: c.553A>C on transcript NM_005534.4 (MANE Select); coding-DNA position 553, A replaced by C.
Protein change: p.Ile185Leu; replaces isoleucine 185 with leucine.
Molecular consequence: missense variant.
Genome position (GRCh38, 1-based): chr21:33,427,024, A>C. VCF-style: chr21-33427024-A-C. GRCh37 (hg19) VCF-style: chr21-34799331-A-C.
Other names: c.610A>C, p.Ile204Leu (NM_001329128.2); short protein forms I204L, I185L.
Identifiers: ClinVar variation 2057171 (VCV002057171.2), dbSNP rs542657768, ClinGen allele CA10006961.
Genomic context (GRCh38, chr21:33,427,024, plus strand): 5'-ATCGCTGATACCTCCACGGCCTTTTTTTGTTATTATGTCCATTACTGGGAAAAAGGAGGA[A>C]TCCAACAGGCAAGAGCATCTTTCTTTTTTGTTTGGATTTTCTTTTCTTTGCAGTTTCTGG-3'
Protein context (NP_005525.2, residues 175-195): YYVHYWEKGG[Ile185Leu]QQVKGPFRSN